The following is an entry in ClinVar:

NM_002693.3(POLG):c.3104+1G>A

Gene: POLG (DNA polymerase gamma, catalytic subunit; minus strand). Cytogenetic location: 15q26.1.
Variant type: single nucleotide variant.
Coding change: c.3104+1G>A on transcript NM_002693.3 (MANE Select); the canonical splice donor site of the intron after coding-DNA position 3104, G replaced by A.
Molecular consequence: splice donor variant.
Genome position (GRCh38, 1-based): chr15:89,319,227, C>T on the plus strand (G>A on the coding strand, the complement: POLG is on the minus strand). VCF-style: chr15-89319227-C-T. GRCh37 (hg19) VCF-style: chr15-89862458-C-T.
Other names: c.3104+1G>A (NM_001126131.2).
Identifiers: ClinVar variation 619308 (VCV000619308.40), dbSNP rs138917386, ClinGen allele CA10602255.
Genomic context (GRCh38, chr15:89,319,227, plus strand): 5'-AAGCTCTTCTGGGGCAAGCCCAGACCCCTCCCTCCATCCTTAACACAAAGAAGGTTCTTA[C>T]TTCCTTGCAGTTTCTCTCTGGACCTTGCGCAGATCCTGCAGGGAAATCCAGCCACCCTCA-3'

ClinVar aggregate classification (germline): Pathogenic/Likely pathogenic. Review status: criteria provided, multiple submitters, no conflicts (2 of 4 stars). 9 submissions from 9 submitters: Pathogenic (3); Likely pathogenic (5). 1 of the submissions does not count toward it. Last evaluated 2026-04-03.

Conditions:
POLG-related disorder. Also called: POLG-Related Spectrum Disorders; POLG-related condition; POLG-Related Disorders. Identifiers: MedGen C4763519.
Inborn genetic diseases. Identifiers: MedGen C0950123, MeSH D030342.
Mitochondrial DNA depletion syndrome 1. Also called: Mitochondrial DNA Depletion Syndrome, MNGIE Form; POLIP SYNDROME; POLYNEUROPATHY, OPHTHALMOPLEGIA, LEUKOENCEPHALOPATHY, AND INTESTINAL PSEUDOOBSTRUCTION; Mitochondrial neurogastrointestinal encephalomyopathy syndrome; Mitochondrial Neurogastrointestinal Encephalopathy Disease; Mitochondrial DNA depletion syndrome 1 (MNGIE type). Identifiers: Orphanet 298, MedGen C4551995, MONDO:0011283, OMIM 603041.
Progressive external ophthalmoplegia with mitochondrial DNA deletions, autosomal dominant 1 (PEOA1). Also called: PROGRESSIVE EXTERNAL OPHTHALMOPLEGIA, AUTOSOMAL DOMINANT 1; Autosomal Dominant Progressive External Ophthalmoplegia (adPEO). Identifiers: MedGen C1834846, MONDO:0024528, OMIM 157640.
Progressive external ophthalmoplegia with mitochondrial DNA deletions, autosomal recessive 1 (PEOB1). Also called: Progressive external ophthalmoplegia, autosomal recessive 1; Autosomal Recessive Progressive External Ophthalmoplegia (arPEO). Identifiers: Orphanet 254886, MedGen C4225153, MONDO:0009783, OMIM 258450.
Sensory ataxic neuropathy, dysarthria, and ophthalmoparesis (SANDO). Also called: Sensory ataxic neuropathy-dysarthria-ophthalmoparesis syndrome; SENSORY ATAXIC NEUROPATHY WITH MITOCHONDRIAL DNA DELETIONS, AUTOSOMAL RECESSIVE; Epilepsy, progressive myoclonic, type 5; Ataxia Neuropathy Spectrum (ANS). Identifiers: Orphanet 70595, MedGen C1843851, MONDO:0011835, OMIM 607459.
Mitochondrial DNA depletion syndrome 4b. Also called: Mitochondrial Neurogastrointestinal Encephalopathy Disease, POLG-Related; MNGIE, POLG-RELATED. Identifiers: Orphanet 298, MedGen C3150914, MONDO:0013350, OMIM 613662.
Progressive sclerosing poliodystrophy (MTDPS4A). Also called: Mitochondrial DNA Depletion Syndrome 4A; Mitochondrial DNA depletion syndrome 4A (Alpers type); NEURONAL DEGENERATION OF CHILDHOOD WITH LIVER DISEASE, PROGRESSIVE; Alpers-Huttenlocher Syndrome (AHS); ALPERS PROGRESSIVE INFANTILE POLIODYSTROPHY; Alpers Syndrome. Identifiers: Orphanet 726, MedGen C0205710, MONDO:0008758, OMIM 203700.

Allele frequency attached by ClinVar (database versions not stated): gnomAD exomes below 0.00001; gnomAD 0.00005 and 0.00006; TOPMed 0.00007; ESP Exome Variant Server 0.00008.
gnomAD v4.1: 16 of 1,614,086 alleles (0.00099%); highest among the groups gnomAD compares: African/African-American, 0.017%; no homozygotes.

Submissions (9):

GeneDx
Classification: Likely pathogenic. Last evaluated: 2026-04-03. Review status: criteria provided, single submitter. Criteria: GeneDx Variant Classification Process June 2021. Collection method: clinical testing. Allele origin: germline. Affected: yes.
Comment: Heterozygous in an adult with epilepsy who was also found to have variants of uncertain significance in other genes associated with mitochondrial disorders (Nguyen B and Figueroa S. J Neurocrit Care 2022;15(2):122-125); Additionally, reported in a sample from an infant with sudden unexpected infant death; further patient specific clinical information, clear zygosity, and segregation not provided in this report (PMID: 38895864); Canonical splice site variant predicted to result in an in-frame loss of the adjacent exon in a gene for which loss of function is a known mechanism of disease; Not observed at significant frequency in large population cohorts (gnomAD); This variant is associated with the following publications: (PMID: 37745463, Nguyen2022[casereport], 38895864)

Labcorp Genetics (formerly Invitae), Labcorp
Classification: Likely pathogenic for Progressive sclerosing poliodystrophy. Last evaluated: 2026-01-12. Review status: criteria provided, single submitter. Criteria: Invitae Variant Classification Sherloc (09022015). Collection method: clinical testing. Allele origin: germline.
Comment: This sequence change affects a donor splice site in intron 19 of the POLG gene. It is expected to disrupt RNA splicing. Variants that disrupt the donor or acceptor splice site typically lead to a loss of protein function (PMID: 16199547), and loss-of-function variants in POLG are known to be pathogenic (PMID: 18546365). This variant is present in population databases (rs138917386, gnomAD 0.01%). Disruption of this splice site has been observed in individual(s) with POLG-related conditions (PMID: 38895864). ClinVar contains an entry for this variant (Variation ID: 619308). Algorithms developed to predict the effect of sequence changes on RNA splicing suggest that this variant may disrupt the consensus splice site. In summary, the currently available evidence indicates that the variant is pathogenic, but additional data are needed to prove that conclusively. Therefore, this variant has been classified as Likely Pathogenic.

Baylor Genetics
Classification: Likely pathogenic for Progressive sclerosing poliodystrophy. Last evaluated: 2024-03-20. Review status: criteria provided, single submitter. Criteria: ACMG Guidelines, 2015. Collection method: clinical testing. Allele origin: unknown.

CeGaT Center for Human Genetics Tuebingen
Classification: Likely pathogenic. Last evaluated: 2023-11-01. Review status: criteria provided, single submitter. Criteria: CeGaT Center For Human Genetics Tuebingen Variant Classification Criteria Version 2. Collection method: clinical testing. Allele origin: germline. Affected: yes. Observed: 1 variant allele.
Comment: POLG: PVS1

Fulgent Genetics
Classification: Likely pathogenic for Progressive external ophthalmoplegia with mitochondrial DNA deletions, autosomal dominant 1; Progressive sclerosing poliodystrophy; Progressive external ophthalmoplegia with mitochondrial DNA deletions, autosomal recessive 1; Mitochondrial DNA depletion syndrome 1; Sensory ataxic neuropathy, dysarthria, and ophthalmoparesis; Mitochondrial DNA depletion syndrome 4b. Last evaluated: 2022-01-24. Review status: criteria provided, single submitter. Criteria: ACMG Guidelines, 2015. Collection method: clinical testing. Allele origin: unknown.

Athena Diagnostics
Classification: Pathogenic. Last evaluated: 2021-08-18. Review status: criteria provided, single submitter. Criteria: Athena Diagnostics Criteria. Collection method: clinical testing. Allele origin: unknown.
Comment: This variant is expected to severely impact normal RNA splicing, and consequently, protein structure and/or function. The frequency of this variant in the general population is consistent with pathogenicity. This variant has been identified in at least one individual tested at Athena Diagnostics with clinical features associated with this gene.

Blueprint Genetics
Classification: Pathogenic for POLG-related disorders. Last evaluated: 2020-10-14. Review status: criteria provided, single submitter. Criteria: ACMG Guidelines, 2015. Collection method: clinical testing. Allele origin: germline. Affected: yes. Observed: 1 variant allele.

Wong Mito Lab, Molecular and Human Genetics, Baylor College of Medicine
Classification: Pathogenic for Progressive sclerosing poliodystrophy. Last evaluated: 2018-10-01. Review status: criteria provided, single submitter. Criteria: ACMG Guidelines, 2015. Collection method: clinical testing. Allele origin: germline.
Comment: The NM_002693.2:c.3104+1G>A (NP_002684.1:p.=) [GRCH38: NC_000015.10:g.89319227C>T] variant in POLG gene is interpretated to be a Pathogenic based on ACMG guidelines (PMID: 25741868). This variant meets the following evidence codes reported in the ACMG-guideline. PVS1:This variant is a predicted null variant in POLG where loss of function is a known mechanism of disease. PM2:This variant is absent in key population databases. PM3:Detected in trans with a pathogenic variant for Mitochondrial DNA depletion syndrome 4A (Alpers type) which is a recessive disorder. PM4:This variant causes alteration in the length of expressed protein. PP1:This variant is co-segregated with Mitochondrial DNA depletion syndrome 4A (Alpers type) in multiple affected family members. PP4:Patient's phenotype or family history is highly specific for POLG. Based on the evidence criteria codes applied, the variant is suggested to be Pathogenic.

Ambry Genetics
Classification: Uncertain significance for Inborn genetic diseases. Last evaluated: 2024-12-16. Review status: flagged submission. Criteria: Ambry Variant Classification Scheme 2023. Collection method: clinical testing. Allele origin: germline. Not counted in ClinVar's aggregate classification.
Comment: Resulting transcript is predicted to be in-frame and is not expected to trigger nonsense-mediated mRNA decay Based on insufficient or conflicting evidence, the clinical significance of this alteration remains unclear.
ClinVar note: Reason: Outlier claim with insufficient supporting evidence

Literature cited by the submitters: PubMed 16199547 (cited by Labcorp Genetics (formerly Invitae), Labcorp); PubMed 18546365 (cited by Labcorp Genetics (formerly Invitae), Labcorp); PubMed 38895864 (cited by Labcorp Genetics (formerly Invitae), Labcorp).